The following is an entry in ClinVar:

ClinVar aggregate classification (germline): Uncertain significance. Review status: criteria provided, multiple submitters, no conflicts (2 of 4 stars). 4 submissions from 4 submitters: Uncertain significance (4). Last evaluated 2025-07-20.

Conditions:
Hereditary cancer-predisposing syndrome. Also called: Hereditary neoplastic syndrome; Neoplastic Syndromes, Hereditary; Tumor predisposition; Hereditary Cancer Syndrome. Identifiers: Orphanet 140162, MedGen C0027672, MeSH D009386, MONDO:0015356.
Hereditary diffuse gastric adenocarcinoma (HDGC). Also called: DIFFUSE GASTRIC AND LOBULAR BREAST CANCER SYNDROME. Identifiers: Orphanet 26106, MedGen C1708349, MONDO:0007648, OMIM 137215.
Familial cancer of breast. Also called: BREAST CANCER, FAMILIAL; Hereditary breast cancer; hereditary breast carcinoma. Identifiers: Orphanet 227535, MedGen C0346153, MONDO:0016419, OMIM 114480. Disease mechanism: loss of function.

Allele frequency attached by ClinVar (database versions not stated): gnomAD 0.00001; gnomAD exomes 0.00002.

Submissions (4):

Labcorp Genetics (formerly Invitae), Labcorp
Classification: Uncertain significance for Hereditary diffuse gastric adenocarcinoma. Last evaluated: 2025-07-20. Review status: criteria provided, single submitter. Criteria: Invitae Variant Classification Sherloc (09022015). Collection method: clinical testing. Allele origin: germline.
Comment: This sequence change replaces leucine, which is neutral and non-polar, with methionine, which is neutral and non-polar, at codon 872 of the CDH1 protein (p.Leu872Met). This variant is present in population databases (rs749203461, gnomAD 0.02%). This variant has not been reported in the literature in individuals affected with CDH1-related conditions. ClinVar contains an entry for this variant (Variation ID: 481693). An algorithm developed to predict the effect of missense changes on protein structure and function (PolyPhen-2) suggests that this variant is likely to be disruptive. In summary, the available evidence is currently insufficient to determine the role of this variant in disease. Therefore, it has been classified as a Variant of Uncertain Significance.

Ambry Genetics
Classification: Uncertain significance for Hereditary cancer-predisposing syndrome. Last evaluated: 2025-03-04. Review status: criteria provided, single submitter. Criteria: Ambry Variant Classification Scheme 2023. Collection method: clinical testing. Allele origin: germline.
Comment: The p.L872M variant (also known as c.2614C>A), located in coding exon 16 of the CDH1 gene, results from a C to A substitution at nucleotide position 2614. The leucine at codon 872 is replaced by methionine, an amino acid with highly similar properties. This amino acid position is highly conserved in available vertebrate species. In addition, this alteration is predicted to be deleterious by in silico analysis. Based on the available evidence, the clinical significance of this variant remains unclear.

Color Diagnostics, LLC DBA Color Health
Classification: Uncertain significance for Hereditary cancer-predisposing syndrome. Last evaluated: 2024-03-06. Review status: criteria provided, single submitter. Criteria: ACMG Guidelines, 2015. Collection method: clinical testing. Allele origin: germline.
Comment: This missense variant replaces leucine with methionine at codon 872 of the CDH1 protein. To our knowledge, functional studies have not been reported for this variant. This variant has not been reported in individuals affected with CDH1-related disorders in the literature. This variant has been identified in 5/251476 chromosomes in the general population by the Genome Aggregation Database (gnomAD). The available evidence is insufficient to determine the role of this variant in disease conclusively. Therefore, this variant is classified as a Variant of Uncertain Significance.

Baylor Genetics
Classification: Uncertain significance for Familial cancer of breast. Last evaluated: 2023-11-29. Review status: criteria provided, single submitter. Criteria: ACMG Guidelines, 2015. Collection method: clinical testing. Allele origin: unknown.

NM_004360.5(CDH1):c.2614C>A (p.Leu872Met)

Gene: CDH1 (cadherin 1; plus strand). Cytogenetic location: 16q22.1.
Variant type: single nucleotide variant.
Coding change: c.2614C>A on transcript NM_004360.5 (MANE Select); coding-DNA position 2614, C replaced by A.
Protein change: p.Leu872Met; replaces leucine 872 with methionine.
Molecular consequence: missense variant.
Genome position (GRCh38, 1-based): chr16:68,833,464, C>A. VCF-style: chr16-68833464-C-A. GRCh37 (hg19) VCF-style: chr16-68867367-C-A.
Other names: c.2614C>A (LRG_301t1); c.2431C>A, p.Leu811Met (NM_001317184.2); c.1066C>A, p.Leu356Met (NM_001317185.2); c.649C>A, p.Leu217Met (NM_001317186.2); short protein forms L872M, L356M, L217M, L811M.
Identifiers: ClinVar variation 481693 (VCV000481693.17), dbSNP rs749203461, ClinGen allele CA8130315.
Genomic context (GRCh38, chr16:68,833,464, plus strand): 5'-GAGTCAGACAAAGACCAGGACTATGACTACTTGAACGAATGGGGCAATCGCTTCAAGAAG[C>A]TGGCTGACATGTACGGAGGCGGCGAGGACGACTAGGGGACTCGAGAGAGGCGGGCCCCAG-3'
Protein context (NP_004351.1, residues 862-882): LNEWGNRFKK[Leu872Met]ADMYGGGEDD